The following is an entry in ClinVar:

NM_033453.4(ITPA):c.175G>C (p.Glu59Gln)

Gene: ITPA (inosine triphosphatase; plus strand). Cytogenetic location: 20p13.
Variant type: single nucleotide variant.
Coding change: c.175G>C on transcript NM_033453.4 (MANE Select); coding-DNA position 175, G replaced by C.
Protein change: p.Glu59Gln; replaces glutamic acid 59 with glutamine.
Molecular consequence: missense variant. On other transcripts: 5 prime UTR variant (4), intron variant (1).
Genome position (GRCh38, 1-based): chr20:3,213,369, G>C. VCF-style: chr20-3213369-G-C. GRCh37 (hg19) VCF-style: chr20-3194015-G-C.
Other names: c.-163G>C (NM_001324236.2, NM_001324237.2, NM_001324238.2 and 1 more transcripts); c.175G>C, p.Glu59Gln (NM_001324240.2, NM_001424408.1); c.301G>C, p.Glu101Gln (NM_001424409.1); c.124G>C, p.Glu42Gln (NM_181493.4); c.67-616G>C (NM_001267623.2); short protein forms E42Q, E59Q, E101Q.
Identifiers: ClinVar variation 1713334 (VCV001713334.6), dbSNP rs2514425693, ClinGen allele CA408077364.
Genomic context (GRCh38, chr20:3,213,369, plus strand): 5'-CCCTGATAAGTGCCGGAGTACCAGGGGGAGCCGGATGAGATTTCCATACAGAAATGTCAG[G>C]AGGCAGTTCGCCAGGTGCTTGCCCTGCCCTTGTCCCACACTTGCTCTTCTTGTCCAGGTA-3'
Protein context (NP_258412.1, residues 49-69): PDEISIQKCQ[Glu59Gln]AVRQVQGPVL

ClinVar aggregate classification (germline): Uncertain significance (1 of 4 stars; one submission).

Conditions:
Inosine triphosphatase deficiency. Also called: INOSINE TRIPHOSPHATE PYROPHOSPHOHYDROLASE DEFICIENCY. Identifiers: MedGen C0342800, MONDO:0013461, OMIM 613850.

Allele frequency attached by ClinVar (database versions not stated): gnomAD exomes below 0.00001.
gnomAD v4.1: 5 of 1,614,014 alleles (0.00031%); highest among the groups gnomAD compares: Non-Finnish European, 0.00025%; no homozygotes.

Submission:

Labcorp Genetics (formerly Invitae), Labcorp
Classification: Uncertain significance for Inosine triphosphatase deficiency. Last evaluated: 2022-07-22. Review status: criteria provided, single submitter. Criteria: Invitae Variant Classification Sherloc (09022015). Collection method: clinical testing. Allele origin: germline.
Comment: This sequence change replaces glutamic acid, which is acidic and polar, with glutamine, which is neutral and polar, at codon 59 of the ITPA protein (p.Glu59Gln). This variant is not present in population databases (gnomAD no frequency). This variant has not been reported in the literature in individuals affected with ITPA-related conditions. Algorithms developed to predict the effect of missense changes on protein structure and function are either unavailable or do not agree on the potential impact of this missense change (SIFT: "Tolerated"; PolyPhen-2: "Possibly Damaging"; Align-GVGD: "Class C0"). In summary, the available evidence is currently insufficient to determine the role of this variant in disease. Therefore, it has been classified as a Variant of Uncertain Significance.